The following is an entry in ClinVar:

NM_001128178.3(NPHP1):c.1716+4G>A

Gene: NPHP1 (nephrocystin 1; minus strand). Cytogenetic location: 2q13.
Variant type: single nucleotide variant.
Coding change: c.1716+4G>A on transcript NM_001128178.3 (MANE Select); 4 bases into the intron after coding-DNA position 1716, G replaced by A.
Molecular consequence: intron variant.
Genome position (GRCh38, 1-based): chr2:110,129,182, C>T on the plus strand (G>A on the coding strand, the complement: NPHP1 is on the minus strand). VCF-style: chr2-110129182-C-T. GRCh37 (hg19) VCF-style: chr2-110886759-C-T.
Other names: c.1527+4G>A (NM_001128179.3); c.1713+4G>A (NM_001374256.1); c.1716+4G>A (NM_001374257.1); c.1881+4G>A (NM_207181.4); c.1884+4G>A (NM_000272.5).
Identifiers: ClinVar variation 2154134 (VCV002154134.1), dbSNP rs1306009665, ClinGen allele CA535158855.

ClinVar aggregate classification (germline): Uncertain significance (1 of 4 stars; one submission).

Conditions:
Nephronophthisis. Also called: Juvenile Nephronophthisis. Identifiers: Orphanet 655, MedGen C0687120, MONDO:0019005, HP:0000090.

gnomAD v4.1: 1 of 1,610,390 alleles (0.000062%); no homozygotes.

Submission:

Labcorp Genetics (formerly Invitae), Labcorp
Classification: Uncertain significance for Nephronophthisis. Last evaluated: 2022-04-04. Review status: criteria provided, single submitter. Criteria: Invitae Variant Classification Sherloc (09022015). Collection method: clinical testing. Allele origin: germline.
Comment: This sequence change falls in intron 18 of the NPHP1 gene. It does not directly change the encoded amino acid sequence of the NPHP1 protein. It affects a nucleotide within the consensus splice site. This variant is present in population databases (no rsID available, gnomAD 0.003%). This variant has not been reported in the literature in individuals affected with NPHP1-related conditions. Variants that disrupt the consensus splice site are a relatively common cause of aberrant splicing (PMID: 17576681, 9536098). Algorithms developed to predict the effect of sequence changes on RNA splicing suggest that this variant is not likely to affect RNA splicing. In summary, the available evidence is currently insufficient to determine the role of this variant in disease. Therefore, it has been classified as a Variant of Uncertain Significance.

Literature cited by the submitters: PubMed 17576681; PubMed 9536098.